The following is an entry in ClinVar:

ClinVar aggregate classification (germline): Uncertain significance (1 of 4 stars; one submission).

Conditions:
Oligodontia-cancer predisposition syndrome. Also called: TOOTH AGENESIS-COLORECTAL CANCER SYNDROME. Identifiers: Orphanet 300576, MedGen C1837750, MONDO:0012075, OMIM 608615. Disease mechanism: loss of function.

Submission:

Labcorp Genetics (formerly Invitae), Labcorp
Classification: Uncertain significance for Oligodontia-cancer predisposition syndrome. Last evaluated: 2024-08-10. Review status: criteria provided, single submitter. Criteria: Invitae Variant Classification Sherloc (09022015). Collection method: clinical testing. Allele origin: germline.
Comment: This sequence change replaces threonine, which is neutral and polar, with isoleucine, which is neutral and non-polar, at codon 355 of the AXIN2 protein (p.Thr355Ile). This variant is not present in population databases (gnomAD no frequency). This variant has not been reported in the literature in individuals affected with AXIN2-related conditions. ClinVar contains an entry for this variant (Variation ID: 464516). Advanced modeling of protein sequence and biophysical properties (such as structural, functional, and spatial information, amino acid conservation, physicochemical variation, residue mobility, and thermodynamic stability) performed at Invitae indicates that this missense variant is expected to disrupt AXIN2 protein function with a positive predictive value of 80%. In summary, the available evidence is currently insufficient to determine the role of this variant in disease. Therefore, it has been classified as a Variant of Uncertain Significance.

NM_004655.4(AXIN2):c.1064C>T (p.Thr355Ile)

Gene: AXIN2 (axin 2; minus strand). Cytogenetic location: 17q24.1.
Variant type: single nucleotide variant.
Coding change: c.1064C>T on transcript NM_004655.4 (MANE Select); coding-DNA position 1064, C replaced by T.
Protein change: p.Thr355Ile; replaces threonine 355 with isoleucine.
Molecular consequence: missense variant.
Genome position (GRCh38, 1-based): chr17:65,538,339, G>A on the plus strand (C>T on the coding strand, the complement: AXIN2 is on the minus strand). VCF-style: chr17-65538339-G-A. GRCh37 (hg19) VCF-style: chr17-63534457-G-A.
Other names: c.1064C>T, p.Thr355Ile (NM_001363813.1); c.1064C>T (LRG_296t1); short protein forms T355I.
Identifiers: ClinVar variation 464516 (VCV000464516.10), dbSNP rs1555578556, ClinGen allele CA400678630.